The following is an entry in ClinVar:

ClinVar aggregate classification (germline): Pathogenic/Likely pathogenic. Review status: criteria provided, multiple submitters, no conflicts (2 of 4 stars). 2 submissions from 2 submitters: Pathogenic (1); Likely pathogenic (1). Last evaluated 2025-09-12.

Conditions:
CEP250-related disorder. Also called: CEP250-related condition.

Allele frequency attached by ClinVar (database versions not stated): gnomAD exomes below 0.00001; TOPMed below 0.00001; gnomAD 0.00001.
gnomAD v4.1: 7 of 1,604,368 alleles (0.00044%); highest among the groups gnomAD compares: Non-Finnish European, 0.0006%; no homozygotes.

Submissions (2):

PreventionGenetics, part of Exact Sciences
Classification: Likely pathogenic for CEP250-related condition. Last evaluated: 2025-09-12. Review status: criteria provided, single submitter. Criteria: ACMG Guidelines, 2015. Collection method: clinical testing. Allele origin: germline.
Comment: The CEP250 c.6625C>T variant is predicted to result in premature protein termination (p.Gln2209*). To our knowledge, this variant has not been reported in the literature or in a large population database (gnomAD), indicating this variant is rare. Nonsense variants in CEP250 are expected to be pathogenic. This variant is interpreted as likely pathogenic.

Labcorp Genetics (formerly Invitae), Labcorp
Classification: Pathogenic. Last evaluated: 2022-02-04. Review status: criteria provided, single submitter. Criteria: Invitae Variant Classification Sherloc (09022015). Collection method: clinical testing. Allele origin: germline.
Comment: For these reasons, this variant has been classified as Pathogenic. This variant has not been reported in the literature in individuals affected with CEP250-related conditions. This variant is not present in population databases (gnomAD no frequency). This sequence change creates a premature translational stop signal (p.Gln2209*) in the CEP250 gene. It is expected to result in an absent or disrupted protein product. Loss-of-function variants in CEP250 are known to be pathogenic (PMID: 24780881, 29718797).

Literature cited by the submitters: PubMed 24780881 (cited by Labcorp Genetics (formerly Invitae), Labcorp); PubMed 29718797 (cited by Labcorp Genetics (formerly Invitae), Labcorp).

NM_007186.6(CEP250):c.6625C>T (p.Gln2209Ter)

Gene: CEP250 (centrosomal protein 250; plus strand). Cytogenetic location: 20q11.22.
Variant type: single nucleotide variant.
Coding change: c.6625C>T on transcript NM_007186.6 (MANE Select); coding-DNA position 6625, C replaced by T.
Protein change: p.Gln2209Ter; replaces glutamine 2209 with a stop codon.
Molecular consequence: nonsense.
Genome position (GRCh38, 1-based): chr20:35,504,994, C>T. VCF-style: chr20-35504994-C-T. GRCh37 (hg19) VCF-style: chr20-34092822-C-T.
Other names: c.6625C>T (NM_007186.5); c.4729C>T, p.Gln1577Ter (NM_001318219.1); short protein forms Q1577*, Q2209*.
Identifiers: ClinVar variation 1951060 (VCV001951060.6), dbSNP rs1314114333, ClinGen allele CA408757693.